The following is an entry in ClinVar:

NM_000455.5(STK11):c.65T>A (p.Met22Lys)

Gene: STK11 (serine/threonine kinase 11; plus strand). Cytogenetic location: 19p13.3.
Variant type: single nucleotide variant.
Coding change: c.65T>A on transcript NM_000455.5 (MANE Select); coding-DNA position 65, T replaced by A.
Protein change: p.Met22Lys; replaces methionine 22 with lysine.
Molecular consequence: missense variant. On other transcripts: non-coding transcript variant (1).
Genome position (GRCh38, 1-based): chr19:1,206,978, T>A. VCF-style: chr19-1206978-T-A. GRCh37 (hg19) VCF-style: chr19-1206977-T-A.
Other names: c.65T>A, p.Met22Lys (NM_001407255.1); short protein forms M22K.
Identifiers: ClinVar variation 3802396 (VCV003802396.1).
Genomic context (GRCh38, chr19:1,206,978, plus strand): 5'-AGGTGGTGGACCCGCAGCAGCTGGGCATGTTCACGGAGGGCGAGCTGATGTCGGTGGGTA[T>A]GGACACGTTCATCCACCGCATCGACTCCACCGAGGTCATCTACCAGCCGCGCCGCAAGCG-3'
Protein context (NP_000446.1, residues 12-32): FTEGELMSVG[Met22Lys]DTFIHRIDST

ClinVar aggregate classification (germline): Uncertain significance (1 of 4 stars; one submission).

Conditions:
Hereditary cancer-predisposing syndrome. Also called: Neoplastic Syndromes, Hereditary; Hereditary Cancer Syndrome; Tumor predisposition; Hereditary neoplastic syndrome. Identifiers: Orphanet 140162, MedGen C0027672, MeSH D009386, MONDO:0015356.

Submission:

Ambry Genetics
Classification: Uncertain significance for Hereditary cancer-predisposing syndrome. Last evaluated: 2025-01-31. Review status: criteria provided, single submitter. Criteria: Ambry Variant Classification Scheme 2023. Collection method: clinical testing. Allele origin: germline.
Comment: The p.M22K variant (also known as c.65T>A), located in coding exon 1 of the STK11 gene, results from a T to A substitution at nucleotide position 65. The methionine at codon 22 is replaced by lysine, an amino acid with similar properties. This amino acid position is conserved. In addition, the in silico prediction for this alteration is inconclusive. Based on the available evidence, the clinical significance of this variant remains unclear.